The following is an entry in ClinVar:

ClinVar aggregate classification (germline): Uncertain significance. Review status: criteria provided, multiple submitters, no conflicts (2 of 4 stars). 2 submissions from 2 submitters: Uncertain significance (2). Last evaluated 2024-06-24.

Conditions:
Autosomal recessive limb-girdle muscular dystrophy type R18 (LGMDR18). Also called: MUSCULAR DYSTROPHY, LIMB-GIRDLE, AUTOSOMAL RECESSIVE 18; Limb-girdle muscular dystrophy, type 2S; Autosomal recessive limb-girdle muscular dystrophy type 2S. Identifiers: Orphanet 369840, MedGen C4517996, MONDO:0014144, OMIM 615356.

Submissions (2):

Revvity Omics, Revvity
Classification: Uncertain significance for Autosomal recessive limb-girdle muscular dystrophy type R18. Last evaluated: 2024-06-24. Review status: criteria provided, single submitter. Criteria: ACMG Guidelines, 2015. Collection method: clinical testing. Allele origin: germline.

Labcorp Genetics (formerly Invitae), Labcorp
Classification: Uncertain significance for Autosomal recessive limb-girdle muscular dystrophy type R18. Last evaluated: 2023-10-03. Review status: criteria provided, single submitter. Criteria: Invitae Variant Classification Sherloc (09022015). Collection method: clinical testing. Allele origin: germline.
Comment: This sequence change replaces cysteine, which is neutral and slightly polar, with tyrosine, which is neutral and polar, at codon 165 of the TRAPPC11 protein (p.Cys165Tyr). This variant is not present in population databases (gnomAD no frequency). This variant has not been reported in the literature in individuals affected with TRAPPC11-related conditions. ClinVar contains an entry for this variant (Variation ID: 2129272). Advanced modeling of protein sequence and biophysical properties (such as structural, functional, and spatial information, amino acid conservation, physicochemical variation, residue mobility, and thermodynamic stability) performed at Invitae indicates that this missense variant is expected to disrupt TRAPPC11 protein function. In summary, the available evidence is currently insufficient to determine the role of this variant in disease. Therefore, it has been classified as a Variant of Uncertain Significance.

NM_021942.6(TRAPPC11):c.494G>A (p.Cys165Tyr)

Gene: TRAPPC11 (trafficking protein particle complex subunit 11; plus strand). Cytogenetic location: 4q35.1.
Variant type: single nucleotide variant.
Coding change: c.494G>A on transcript NM_021942.6 (MANE Select); coding-DNA position 494, G replaced by A.
Protein change: p.Cys165Tyr; replaces cysteine 165 with tyrosine.
Molecular consequence: missense variant.
Genome position (GRCh38, 1-based): chr4:183,668,051, G>A. VCF-style: chr4-183668051-G-A. GRCh37 (hg19) VCF-style: chr4-184589204-G-A.
Other names: c.494G>A, p.Cys165Tyr (NM_199053.3); short protein forms C165Y.
Identifiers: ClinVar variation 2129272 (VCV002129272.5), dbSNP rs2477091767, ClinGen allele CA358859572.
Genomic context (GRCh38, chr4:183,668,051, plus strand): 5'-GATTATCAACAGGAGAAGATGTCATTGCTTCAGAAAGGGCTGCAGCTTTATGCAATGCAT[G>A]TGAACTCTCAGGAAAGTCTTTGTTTGTACTGCCGCACACTGACCACCTTGTGGGTTATAT-3'
Protein context (NP_068761.4, residues 155-175): SERAAALCNA[Cys165Tyr]ELSGKSLFVL